The following is an entry in ClinVar:

NM_006514.4(SCN10A):c.45C>T (p.Arg15=)

Gene: SCN10A (sodium voltage-gated channel alpha subunit 10; minus strand). Cytogenetic location: 3p22.2.
Variant type: single nucleotide variant.
Coding change: c.45C>T on transcript NM_006514.4 (MANE Select); coding-DNA position 45, C replaced by T.
Protein change: p.Arg15=; no amino-acid change (arginine 15 retained).
Molecular consequence: synonymous variant.
Genome position (GRCh38, 1-based): chr3:38,793,966, G>A on the plus strand (C>T on the coding strand, the complement: SCN10A is on the minus strand). VCF-style: chr3-38793966-G-A. GRCh37 (hg19) VCF-style: chr3-38835457-G-A.
Other names: p.Arg15=; c.45C>T, p.Arg15= (NM_001293306.2, NM_001293307.2).
Identifiers: ClinVar variation 240676 (VCV000240676.43), dbSNP rs34314583, ClinGen allele CA2321312.

ClinVar aggregate classification (germline): Benign/Likely benign. Review status: criteria provided, multiple submitters, no conflicts (2 of 4 stars). 10 submissions from 10 submitters: Benign (7); Likely benign (1). 2 of the submissions do not count toward it. Last evaluated 2026-08-01.

Conditions:
Cardiovascular phenotype. Identifiers: MedGen CN230736.
Brugada syndrome. Also called: Sudden unexpected nocturnal death syndrome; Sudden unexplained nocturnal death syndrome; Sudden Unexplained Death Syndrome; Sudden Unexplained Nocturnal Death Syndrome (SUNDS). Identifiers: Orphanet 130, MedGen C1142166, MONDO:0015263.

Allele frequency attached by ClinVar (database versions not stated): 1000 Genomes Project 30x 0.00250; 1000 Genomes Project 0.00300; ExAC 0.00522; TOPMed 0.00539; gnomAD exomes 0.00587 and 0.00870; gnomAD 0.00652 and 0.00684; ESP Exome Variant Server 0.00823.
gnomAD v4.1: 13,492 of 1,613,980 alleles (0.84%); highest among the groups gnomAD compares: Non-Finnish European, 1%; 95 homozygotes.

Submissions (10):

CeGaT Center for Human Genetics Tuebingen
Classification: Benign. Last evaluated: 2026-08-01. Review status: criteria provided, single submitter. Criteria: CeGaT Center For Human Genetics Tuebingen Variant Classification Criteria Version 2. Collection method: clinical testing. Allele origin: germline. Affected: yes. Observed: 36 variant alleles.
Comment: SCN10A: BP4, BP7, BS1, BS2

Labcorp Genetics (formerly Invitae), Labcorp
Classification: Benign for Brugada syndrome. Last evaluated: 2026-01-28. Review status: criteria provided, single submitter. Criteria: Invitae Variant Classification Sherloc (09022015). Collection method: clinical testing. Allele origin: germline.

Blueprint Genetics
Classification: Likely benign. Last evaluated: 2024-11-26. Review status: criteria provided, single submitter. Criteria: ACMG Guidelines, 2015. Collection method: clinical testing. Allele origin: germline.

Mayo Clinic Laboratories, Mayo Clinic
Classification: Benign. Last evaluated: 2023-06-02. Review status: criteria provided, single submitter. Criteria: ACMG Guidelines, 2015. Collection method: clinical testing. Allele origin: germline. Observed: 25 variant alleles.

Women's Health and Genetics/Laboratory Corporation of America, LabCorp
Classification: Benign. Last evaluated: 2023-04-10. Review status: criteria provided, single submitter. Criteria: LabCorp Variant Classification Summary - May 2015. Collection method: clinical testing. Allele origin: germline.

Ambry Genetics
Classification: Benign for Cardiovascular phenotype. Last evaluated: 2018-12-27. Review status: criteria provided, single submitter. Criteria: Ambry Variant Classification Scheme 2023. Collection method: clinical testing. Allele origin: germline.

GeneDx
Classification: Benign. Last evaluated: 2017-06-12. Review status: criteria provided, single submitter. Criteria: GeneDx Variant Classification (06012015). Collection method: clinical testing. Allele origin: germline. Affected: yes.
Comment: This variant is considered likely benign or benign based on one or more of the following criteria: it is a conservative change, it occurs at a poorly conserved position in the protein, it is predicted to be benign by multiple in silico algorithms, and/or has population frequency not consistent with disease.

Breakthrough Genomics
Classification: Benign. Review status: criteria provided, single submitter. Criteria: ACMG Guidelines, 2015. Collection method: not provided. Allele origin: germline. Inheritance: Autosomal dominant inheritance. Affected: yes.

Clinical Genetics, Academic Medical Center
Classification: Benign. Review status: no assertion criteria provided. Collection method: clinical testing. Allele origin: germline. Affected: yes. Study: VKGL Data-share Consensus. Not counted in ClinVar's aggregate classification.

Joint Genome Diagnostic Labs from Nijmegen and Maastricht, Radboudumc and MUMC+
Classification: Benign. Review status: no assertion criteria provided. Collection method: clinical testing. Allele origin: germline. Affected: yes. Study: VKGL Data-share Consensus. Not counted in ClinVar's aggregate classification.